The following is an entry in ClinVar:

ClinVar aggregate classification (germline): Uncertain significance. Review status: criteria provided, multiple submitters, no conflicts (2 of 4 stars). 2 submissions from 2 submitters: Uncertain significance (2). Last evaluated 2024-05-28.

Conditions:
Adams-Oliver syndrome 5 (AOS5). Identifiers: Orphanet 974, MedGen C4014970, MONDO:0014459, OMIM 616028.

Allele frequency attached by ClinVar (database versions not stated): TOPMed below 0.00001; gnomAD 0.00001; 1000 Genomes Project 0.00020; 1000 Genomes Project 30x 0.00047.
gnomAD v4.1: 4 of 1,611,380 alleles (0.00025%); highest among the groups gnomAD compares: Middle Eastern, 0.017%; no homozygotes.

Submissions (2):

GeneDx
Classification: Uncertain significance. Last evaluated: 2024-05-28. Review status: criteria provided, single submitter. Criteria: GeneDx Variant Classification Process June 2021. Collection method: clinical testing. Allele origin: germline. Affected: yes.
Comment: Not observed at significant frequency in large population cohorts (gnomAD); Has not been previously published as pathogenic or benign to our knowledge; In silico analysis suggests this variant may impact gene splicing. In the absence of RNA/functional studies, the actual effect of this sequence change is unknown.; This variant is associated with the following publications: (PMID: 27284491)

Labcorp Genetics (formerly Invitae), Labcorp
Classification: Uncertain significance for Adams-Oliver syndrome 5. Last evaluated: 2023-09-11. Review status: criteria provided, single submitter. Criteria: Invitae Variant Classification Sherloc (09022015). Collection method: clinical testing. Allele origin: germline.
Comment: This sequence change affects codon 1249 of the NOTCH1 mRNA. It is a 'silent' change, meaning that it does not change the encoded amino acid sequence of the NOTCH1 protein. This variant is not present in population databases (gnomAD no frequency). This variant has not been reported in the literature in individuals affected with NOTCH1-related conditions. ClinVar contains an entry for this variant (Variation ID: 2100063). Algorithms developed to predict the effect of sequence changes on RNA splicing suggest that this variant may create or strengthen a splice site. In summary, the available evidence is currently insufficient to determine the role of this variant in disease. Therefore, it has been classified as a Variant of Uncertain Significance.

NM_017617.5(NOTCH1):c.3747C>T (p.Gly1249=)

Gene: NOTCH1 (notch receptor 1; minus strand). Cytogenetic location: 9q34.3.
Variant type: single nucleotide variant.
Coding change: c.3747C>T on transcript NM_017617.5 (MANE Select); coding-DNA position 3747, C replaced by T.
Protein change: p.Gly1249=; no amino-acid change (glycine 1249 retained).
Molecular consequence: synonymous variant.
Genome position (GRCh38, 1-based): chr9:136,506,870, G>A on the plus strand (C>T on the coding strand, the complement: NOTCH1 is on the minus strand). VCF-style: chr9-136506870-G-A. GRCh37 (hg19) VCF-style: chr9-139401322-G-A.
Other names: c.3747C>T (NM_017617.3).
Identifiers: ClinVar variation 2100063 (VCV002100063.5), dbSNP rs533632819, ClinGen allele CA201578988.